The following is an entry in ClinVar:

NM_020297.4(ABCC9):c.285-16G>A

Gene: ABCC9 (ATP binding cassette subfamily C member 9; minus strand). Cytogenetic location: 12p12.1.
Variant type: single nucleotide variant.
Coding change: c.285-16G>A on transcript NM_020297.4 (MANE Select); 16 bases into the intron before coding-DNA position 285, G replaced by A.
Molecular consequence: intron variant.
Genome position (GRCh38, 1-based): chr12:21,926,079, C>T on the plus strand (G>A on the coding strand, the complement: ABCC9 is on the minus strand). VCF-style: chr12-21926079-C-T. GRCh37 (hg19) VCF-style: chr12-22079013-C-T.
Other names: c.-170-16G>A (NM_001377274.1); c.285-16G>A (NM_005691.4, NM_001377273.1, NM_005691.3).
Identifiers: ClinVar variation 201610 (VCV000201610.24), dbSNP rs144825585, ClinGen allele CA308159.

ClinVar aggregate classification (germline): Benign. Review status: criteria provided, multiple submitters, no conflicts (2 of 4 stars). 8 submissions from 8 submitters: Benign (5). 3 of the submissions do not count toward it. Last evaluated 2026-02-03.

Conditions:
Dilated cardiomyopathy 1O (CMD1O). Also called: CARDIOMYOPATHY, DILATED, WITH VENTRICULAR TACHYCARDIA. Identifiers: Orphanet 154, MedGen C1837839, MONDO:0012062, OMIM 608569.

Allele frequency attached by ClinVar (database versions not stated): gnomAD exomes 0.00109; ExAC 0.00129; 1000 Genomes Project 0.00300; 1000 Genomes Project 30x 0.00344; gnomAD 0.00405 and 0.00448; TOPMed 0.00461; ESP Exome Variant Server 0.00469.
gnomAD v4.1: 1,292 of 1,613,852 alleles (0.08%); highest among the groups gnomAD compares: African/African-American, 1.3%; 7 homozygotes.

Submissions (8):

Labcorp Genetics (formerly Invitae), Labcorp
Classification: Benign for Dilated cardiomyopathy 1O. Last evaluated: 2026-02-03. Review status: criteria provided, single submitter. Criteria: Invitae Variant Classification Sherloc (09022015). Collection method: clinical testing. Allele origin: germline.

ARUP Laboratories, Molecular Genetics and Genomics, ARUP Laboratories
Classification: Benign. Last evaluated: 2023-12-14. Review status: criteria provided, single submitter. Criteria: ARUP Molecular Germline Variant Investigation Process 2024. Collection method: clinical testing. Allele origin: germline.

Women's Health and Genetics/Laboratory Corporation of America, LabCorp
Classification: Benign. Last evaluated: 2023-06-10. Review status: criteria provided, single submitter. Criteria: LabCorp Variant Classification Summary - May 2015. Collection method: clinical testing. Allele origin: germline.

GeneDx
Classification: Benign. Last evaluated: 2014-08-27. Review status: criteria provided, single submitter. Criteria: GeneDx Variant Classification (06012015). Collection method: clinical testing. Allele origin: germline. Affected: yes.
Comment: This variant is considered likely benign or benign based on one or more of the following criteria: it is a conservative change, it occurs at a poorly conserved position in the protein, it is predicted to be benign by multiple in silico algorithms, and/or has population frequency not consistent with disease.

Breakthrough Genomics
Classification: Benign. Review status: criteria provided, single submitter. Criteria: ACMG Guidelines, 2015. Collection method: not provided. Allele origin: germline. Inheritance: Autosomal recessive inheritance. Affected: yes.

Clinical Genetics, Academic Medical Center
Classification: Benign. Review status: no assertion criteria provided. Collection method: clinical testing. Allele origin: germline. Affected: yes. Study: VKGL Data-share Consensus. Not counted in ClinVar's aggregate classification.

Diagnostic Laboratory, Department of Genetics, University Medical Center Groningen
Classification: Likely benign. Review status: no assertion criteria provided. Collection method: clinical testing. Allele origin: germline. Affected: yes. Study: VKGL Data-share Consensus. Not counted in ClinVar's aggregate classification.

Genome Diagnostics Laboratory, University Medical Center Utrecht
Classification: Benign. Review status: no assertion criteria provided. Collection method: clinical testing. Allele origin: germline. Affected: yes. Study: VKGL Data-share Consensus. Not counted in ClinVar's aggregate classification.